The following is an entry in ClinVar:

NM_005334.3(HCFC1):c.6061C>T (p.Pro2021Ser)

Gene: HCFC1 (host cell factor C1; minus strand). Cytogenetic location: Xq28.
Variant type: single nucleotide variant.
Coding change: c.6061C>T on transcript NM_005334.3 (MANE Select); coding-DNA position 6061, C replaced by T.
Protein change: p.Pro2021Ser; replaces proline 2021 with serine.
Molecular consequence: missense variant.
Genome position (GRCh38, 1-based): chrX:153,949,560, G>A on the plus strand (C>T on the coding strand, the complement: HCFC1 is on the minus strand). VCF-style: chrX-153949560-G-A. GRCh37 (hg19) VCF-style: chrX-153215011-G-A.
Other names: c.6196C>T, p.Pro2066Ser (NM_001410705.1); short protein forms P2021S, P2066S.
Identifiers: ClinVar variation 2505724 (VCV002505724.1), dbSNP rs1557111884, ClinGen allele CA415101880.

ClinVar aggregate classification (germline): Uncertain significance (1 of 4 stars; one submission).

Allele frequency attached by ClinVar (database versions not stated): gnomAD 0.00001.
gnomAD v4.1: 2 of 1,208,893 alleles (0.00017%); highest among the groups gnomAD compares: African/African-American, 0.0017%; no homozygotes.

Submission:

GeneDx
Classification: Uncertain significance. Last evaluated: 2022-12-15. Review status: criteria provided, single submitter. Criteria: GeneDx Variant Classification Process June 2021. Collection method: clinical testing. Allele origin: germline. Affected: yes.
Comment: Not observed at significant frequency in large population cohorts (gnomAD); In silico analysis supports that this missense variant has a deleterious effect on protein structure/function; Has not been previously published as pathogenic or benign to our knowledge